The following is an entry in ClinVar:

NM_177438.3(DICER1):c.3123T>G (p.His1041Gln)

Gene: DICER1 (dicer 1, ribonuclease III; minus strand). Cytogenetic location: 14q32.13.
Variant type: single nucleotide variant.
Coding change: c.3123T>G on transcript NM_177438.3 (MANE Select); coding-DNA position 3123, T replaced by G.
Protein change: p.His1041Gln; replaces histidine 1041 with glutamine.
Molecular consequence: missense variant.
Genome position (GRCh38, 1-based): chr14:95,105,217, A>C on the plus strand (T>G on the coding strand, the complement: DICER1 is on the minus strand). VCF-style: chr14-95105217-A-C. GRCh37 (hg19) VCF-style: chr14-95571554-A-C.
Other names: c.3123T>G, p.His1041Gln (NM_030621.4, NM_001195573.1, NM_001271282.3 and 1 more transcripts); short protein forms H1041Q.
Identifiers: ClinVar variation 1060184 (VCV001060184.10), dbSNP rs2139988087, ClinGen allele CA390876863.

ClinVar aggregate classification (germline): Uncertain significance (1 of 4 stars; one submission).

Conditions:
DICER1-related tumor predisposition. Also called: DICER1 syndrome; DICER1-related pleuropulmonary blastoma cancer predisposition syndrome. Identifiers: Orphanet 284343, MedGen C3839822, MONDO:0100216.

Submission:

Labcorp Genetics (formerly Invitae), Labcorp
Classification: Uncertain significance for DICER1-related tumor predisposition. Last evaluated: 2020-10-06. Review status: criteria provided, single submitter. Criteria: Invitae Variant Classification Sherloc (09022015). Collection method: clinical testing. Allele origin: germline.
Comment: In summary, the available evidence is currently insufficient to determine the role of this variant in disease. Therefore, it has been classified as a Variant of Uncertain Significance. Algorithms developed to predict the effect of sequence changes on RNA splicing suggest that this variant may create or strengthen a splice site, but this prediction has not been confirmed by published transcriptional studies. Algorithms developed to predict the effect of missense changes on protein structure and function are either unavailable or do not agree on the potential impact of this missense change (SIFT: "Deleterious"; PolyPhen-2: "Probably Damaging"; Align-GVGD: "Class C15"). This variant has not been reported in the literature in individuals with DICER1-related conditions. This variant is not present in population databases (ExAC no frequency). This sequence change replaces histidine with glutamine at codon 1041 of the DICER1 protein (p.His1041Gln). The histidine residue is highly conserved and there is a small physicochemical difference between histidine and glutamine.